The following is an entry in ClinVar:

ClinVar aggregate classification (germline): Uncertain significance (1 of 4 stars; one submission).

Allele frequency attached by ClinVar (database versions not stated): gnomAD exomes below 0.00001; gnomAD 0.00001; TOPMed 0.00001.

Submission:

Labcorp Genetics (formerly Invitae), Labcorp
Classification: Uncertain significance. Last evaluated: 2024-11-03. Review status: criteria provided, single submitter. Criteria: Invitae Variant Classification Sherloc (09022015). Collection method: clinical testing. Allele origin: germline.
Comment: This sequence change replaces alanine, which is neutral and non-polar, with threonine, which is neutral and polar, at codon 56 of the IRF2BP2 protein (p.Ala56Thr). This variant is not present in population databases (gnomAD no frequency). This variant has not been reported in the literature in individuals affected with IRF2BP2-related conditions. ClinVar contains an entry for this variant (Variation ID: 3008064). An algorithm developed to predict the effect of missense changes on protein structure and function (PolyPhen-2) suggests that this variant is likely to be disruptive. In summary, the available evidence is currently insufficient to determine the role of this variant in disease. Therefore, it has been classified as a Variant of Uncertain Significance.

NM_182972.3(IRF2BP2):c.166G>A (p.Ala56Thr)

Gene: IRF2BP2 (interferon regulatory factor 2 binding protein 2; minus strand). Cytogenetic location: 1q42.3.
Variant type: single nucleotide variant.
Coding change: c.166G>A on transcript NM_182972.3 (MANE Select); coding-DNA position 166, G replaced by A.
Protein change: p.Ala56Thr; replaces alanine 56 with threonine.
Molecular consequence: missense variant.
Genome position (GRCh38, 1-based): chr1:234,609,329, C>T on the plus strand (G>A on the coding strand, the complement: IRF2BP2 is on the minus strand). VCF-style: chr1-234609329-C-T. GRCh37 (hg19) VCF-style: chr1-234745075-C-T.
Other names: c.166G>A, p.Ala56Thr (NM_001077397.1); short protein forms A56T.
Identifiers: ClinVar variation 3008064 (VCV003008064.3), dbSNP rs1444469542, ClinGen allele CA345311754.
Genomic context (GRCh38, chr1:234,609,329, plus strand): 5'-CGGCGCCGGGTGGGGAGCGACCCTCCGGGAAGCAGCCGTGCGCCCGCTTGAGCTGCCGCG[C>T]CGTCTCGATGACGAACTCGACGCGGTCGGCGCCCTCGTAGTTGACGCAGCCGCGGCAGAC-3'
Protein context (NP_892017.2, residues 46-66): ADRVEFVIET[Ala56Thr]RQLKRAHGCF